The following is an entry in ClinVar:

NM_147127.5(EVC2):c.707T>C (p.Val236Ala)

Gene: EVC2 (EvC ciliary complex subunit 2; minus strand). Cytogenetic location: 4p16.2.
Variant type: single nucleotide variant.
Coding change: c.707T>C on transcript NM_147127.5 (MANE Select); coding-DNA position 707, T replaced by C.
Protein change: p.Val236Ala; replaces valine 236 with alanine.
Molecular consequence: missense variant.
Genome position (GRCh38, 1-based): chr4:5,685,479, A>G on the plus strand (T>C on the coding strand, the complement: EVC2 is on the minus strand). VCF-style: chr4-5685479-A-G. GRCh37 (hg19) VCF-style: chr4-5687206-A-G.
Other names: c.467T>C, p.Val156Ala (NM_001166136.2); short protein forms V236A, V156A.
Identifiers: ClinVar variation 550823 (VCV000550823.33), dbSNP rs764307512, ClinGen allele CA2835327.

ClinVar aggregate classification (germline): Uncertain significance. Review status: criteria provided, multiple submitters, no conflicts (2 of 4 stars). 4 submissions from 4 submitters: Uncertain significance (3). 1 of the submissions does not count toward it. Last evaluated 2025-10-16.

Conditions:
Ellis-van Creveld syndrome (EVC). Also called: MESOECTODERMAL DYSPLASIA; Chondroectodermal dysplasia. Identifiers: Orphanet 289, MedGen C0013903, MONDO:0009162, OMIM 225500.
Curry-Hall syndrome (WAD). Also called: WEYERS ACRODENTAL DYSOSTOSIS. Identifiers: Orphanet 952, MedGen C0457013, MONDO:0008673, OMIM 193530.

Allele frequency attached by ClinVar (database versions not stated): TOPMed 0.00001; ExAC 0.00002; gnomAD exomes 0.00002; gnomAD 0.00003 and 0.00004.
gnomAD v4.1: 31 of 1,613,872 alleles (0.0019%); highest among the groups gnomAD compares: Middle Eastern, 0.016%; no homozygotes.

Submissions (4):

Labcorp Genetics (formerly Invitae), Labcorp
Classification: Uncertain significance for Curry-Hall syndrome; Ellis-van Creveld syndrome. Last evaluated: 2025-10-16. Review status: criteria provided, single submitter. Criteria: Invitae Variant Classification Sherloc (09022015). Collection method: clinical testing. Allele origin: germline.
Comment: This sequence change replaces valine, which is neutral and non-polar, with alanine, which is neutral and non-polar, at codon 236 of the EVC2 protein (p.Val236Ala). This variant is present in population databases (rs764307512, gnomAD 0.004%). This missense change has been observed in individual(s) with Ellis-van Creveld syndrome (PMID: 27168972). ClinVar contains an entry for this variant (Variation ID: 550823). An algorithm developed to predict the effect of missense changes on protein structure and function outputs the following: PolyPhen-2: "Benign". The alanine amino acid residue is found in multiple mammalian species, which suggests that this missense change does not adversely affect protein function. In summary, the available evidence is currently insufficient to determine the role of this variant in disease. Therefore, it has been classified as a Variant of Uncertain Significance.

Women's Health and Genetics/Laboratory Corporation of America, LabCorp
Classification: Uncertain significance. Last evaluated: 2024-09-24. Review status: criteria provided, single submitter. Criteria: LabCorp Variant Classification Summary - May 2015. Collection method: clinical testing. Allele origin: germline.
Comment: Variant summary: EVC2 c.707T>C (p.Val236Ala) results in a non-conservative amino acid change in the encoded protein sequence. Three of four in-silico tools predict a benign effect of the variant on protein function. Consensus agreement among computation tools predict no significant impact on normal splicing. However, these predictions have yet to be confirmed by functional studies. The variant allele was found at a frequency of 1.6e-05 in 251254 control chromosomes, predominantly at a frequency of 3.5e-05 within the Non-Finnish European subpopulation in the gnomAD database. The available data on variant occurrences in the general population are insufficient to allow any conclusion about variant significance. c.707T>C has been reported in the literature in one individual affected with Ellis-van Creveld syndrome (example, Pangalos_2016). These data do not allow any conclusion about variant significance. To our knowledge, no experimental evidence demonstrating an impact on protein function has been reported. The following publication has been ascertained in the context of this evaluation (PMID: 27168972). ClinVar contains an entry for this variant (Variation ID: 550823). Based on the evidence outlined above, the variant was classified as uncertain significance.

CeGaT Center for Human Genetics Tuebingen
Classification: Uncertain significance. Last evaluated: 2023-03-01. Review status: criteria provided, single submitter. Criteria: CeGaT Center For Human Genetics Tuebingen Variant Classification Criteria Version 2. Collection method: clinical testing. Allele origin: germline. Affected: yes. Observed: 1 variant allele.
Comment: EVC2: PM2, BP4

Counsyl
Classification: Uncertain significance for Ellis-van Creveld syndrome. Last evaluated: 2017-02-22. Review status: no assertion criteria provided. Collection method: clinical testing. Allele origin: unknown. Not counted in ClinVar's aggregate classification.

Literature cited by the submitters: PubMed 27168972 (cited by 3 submitters).